The following is an entry in ClinVar:

ClinVar aggregate classification (germline): Uncertain significance (1 of 4 stars; one submission).

Conditions:
Severe myoclonic epilepsy in infancy (DRVT). Also called: DEVELOPMENTAL AND EPILEPTIC ENCEPHALOPATHY 6A; Severe Myoclonic Epilepsy in Infancy (SMEI); Dravet syndrome; SEVERE MYOCLONIC EPILEPSY OF INFANCY; Epileptic encephalopathy, early infantile, 6 (Dravet syndrome). Identifiers: Orphanet 33069, MedGen C0751122, MONDO:0100135, OMIM 607208.

gnomAD v4.1: 1 of 1,614,110 alleles (0.000062%); highest among the groups gnomAD compares: Non-Finnish European, 0.000085%; no homozygotes.

Submission:

Labcorp Genetics (formerly Invitae), Labcorp
Classification: Uncertain significance for Severe myoclonic epilepsy in infancy. Last evaluated: 2022-09-07. Review status: criteria provided, single submitter. Criteria: Invitae Variant Classification Sherloc (09022015). Collection method: clinical testing. Allele origin: germline.
Comment: This sequence change replaces tryptophan, which is neutral and slightly polar, with glycine, which is neutral and non-polar, at codon 499 of the SNX27 protein (p.Trp499Gly). ClinVar contains an entry for this variant (Variation ID: 1407121). This variant has not been reported in the literature in individuals affected with SNX27-related conditions. This variant is not present in population databases (gnomAD no frequency). In summary, the available evidence is currently insufficient to determine the role of this variant in disease. Therefore, it has been classified as a Variant of Uncertain Significance. Algorithms developed to predict the effect of missense changes on protein structure and function are either unavailable or do not agree on the potential impact of this missense change (SIFT: "Deleterious"; PolyPhen-2: "Probably Damaging"; Align-GVGD: "Class C0").

NM_001330723.2(SNX27):c.1495T>G (p.Trp499Gly)

Gene: SNX27 (sorting nexin 27; plus strand). Cytogenetic location: 1q21.3.
Variant type: single nucleotide variant.
Coding change: c.1495T>G on transcript NM_001330723.2 (MANE Select); coding-DNA position 1495, T replaced by G.
Protein change: p.Trp499Gly; replaces tryptophan 499 with glycine.
Molecular consequence: missense variant.
Genome position (GRCh38, 1-based): chr1:151,693,016, T>G. VCF-style: chr1-151693016-T-G. GRCh37 (hg19) VCF-style: chr1-151665492-T-G.
Other names: c.1495T>G, p.Trp499Gly (NM_030918.6); short protein forms W499G.
Identifiers: ClinVar variation 1407121 (VCV001407121.8), dbSNP rs1245623181, ClinGen allele CA341973331.
Genomic context (GRCh38, chr1:151,693,016, plus strand): 5'-ACAGATGAAGAAGGGATGGCCTTCTGTTTCGAATATGCACGAGGAGAGAAGAAGCCCCGA[T>G]GGGTTAAAATCTTCACGCCATATGTGAGTGCAATTTGGGGAAAGTAACTGGGACTTAGTT-3'
Protein context (NP_001317652.1, residues 489-509): EYARGEKKPR[Trp499Gly]VKIFTPYFNY